The following is an entry in ClinVar:

NM_006237.4(POU4F1):c.609G>T (p.Ala203=)

Genes: OBI1-AS1 (OBI1 antisense RNA 1; plus strand), POU4F1 (POU class 4 homeobox 1; minus strand). Cytogenetic location: 13q31.1.
Variant type: single nucleotide variant.
Coding change: c.609G>T on transcript NM_006237.4 (MANE Select); coding-DNA position 609, G replaced by T.
Protein change: p.Ala203=; no amino-acid change (alanine 203 retained).
Molecular consequence: synonymous variant.
Genome position (GRCh38, 1-based): chr13:78,602,066, C>A on the plus strand (G>T on the coding strand, the complement: POU4F1 is on the minus strand). VCF-style: chr13-78602066-C-A. GRCh37 (hg19) VCF-style: chr13-79176201-C-A.
Identifiers: ClinVar variation 4874812 (VCV004874812.2).

ClinVar aggregate classification (germline): Likely benign (1 of 4 stars; one submission).

Submission:

CeGaT Center for Human Genetics Tuebingen
Classification: Likely benign. Last evaluated: 2026-04-01. Review status: criteria provided, single submitter. Criteria: CeGaT Center For Human Genetics Tuebingen Variant Classification Criteria Version 2. Collection method: clinical testing. Allele origin: germline. Affected: yes. Observed: 1 variant allele.
Comment: POU4F1: PM2:Supporting, BP4, BP7